The following is an entry in ClinVar:

NM_006929.5(SKIC2):c.1288G>A (p.Asp430Asn)

Genes: SKIC2 (SKI2 subunit of superkiller complex; plus strand), LOC126859653 (CDK7 strongly-dependent group 2 enhancer GRCh37_chr6:31929542-31930741; plus strand). Cytogenetic location: 6p21.33.
Variant type: single nucleotide variant.
Coding change: c.1288G>A on transcript NM_006929.5 (MANE Select); coding-DNA position 1288, G replaced by A.
Protein change: p.Asp430Asn; replaces aspartic acid 430 with asparagine.
Molecular consequence: missense variant.
Genome position (GRCh38, 1-based): chr6:31,962,790, G>A. VCF-style: chr6-31962790-G-A. GRCh37 (hg19) VCF-style: chr6-31930567-G-A.
Other names: short protein forms D430N.
Identifiers: ClinVar variation 4085883 (VCV004085883.8).

ClinVar aggregate classification (germline): Uncertain significance (1 of 4 stars; one submission).

gnomAD v4.1: 8 of 1,610,462 alleles (0.0005%); highest among the groups gnomAD compares: South Asian, 0.0011%; no homozygotes.

Submission:

CeGaT Center for Human Genetics Tuebingen
Classification: Uncertain significance. Last evaluated: 2025-08-01. Review status: criteria provided, single submitter. Criteria: CeGaT Center For Human Genetics Tuebingen Variant Classification Criteria Version 2. Collection method: clinical testing. Allele origin: germline. Affected: yes. Observed: 1 variant allele.
Comment: SKIC2: PM2